The following is an entry in ClinVar:

ClinVar aggregate classification (germline): Pathogenic (1 of 4 stars; one submission).

Conditions:
GNPTAB-mucolipidosis. Also called: UDP-N-acetylglucosamine-1-phosphotransferase subunit alpha/beta deficiency. Identifiers: MedGen CN322573, MONDO:0100122.

Submission:

Myriad Genetics, Inc.
Classification: Pathogenic for GNPTAB-mucolipidosis. Last evaluated: 2023-08-09. Review status: criteria provided, single submitter. Criteria: Myriad Autosomal Dominant, Autosomal Recessive and X-Linked Classification Criteria (2023). Collection method: clinical testing. Allele origin: unknown.
Comment: NM_024312.4(GNPTAB):c.3403_3404delGG(G1135Pfs*4) is expected to be pathogenic in the context of GNPTAB-related disorders. This variant is predicted to lead to an abnormal or absent protein product due to the creation of a premature termination codon in GNPTAB, a gene where loss-of-function variants are known to be pathogenic. Please note: this variant was assessed in the context of healthy population screening.

NM_024312.5(GNPTAB):c.3403_3404del (p.Gly1135fs)

Gene: GNPTAB (N-acetylglucosamine-1-phosphate transferase subunits alpha and beta; minus strand). Cytogenetic location: 12q23.2.
Variant type: Deletion.
Coding change: c.3403_3404del on transcript NM_024312.5 (MANE Select); coding-DNA positions 3403 to 3404, 2 bases deleted (GG; older notation c.3403_3404delGG).
Protein change: p.Gly1135fs; shifts the reading frame from glycine 1135.
Molecular consequence: frameshift variant.
Genome position (GRCh38, 1-based): chr12:101,757,242-101,757,243, CC deleted on the plus strand (GG on the coding strand, the reverse complement: GNPTAB is on the minus strand). VCF-style (leftmost placement, unchanged base first): chr12-101757241-GCC-G. GRCh37 (hg19) VCF-style: chr12-102151019-GCC-G.
Other names: short protein forms G1135fs.
Identifiers: ClinVar variation 5011290 (VCV005011290.1).